The following is an entry in ClinVar:

ClinVar aggregate classification (germline): Likely benign. Review status: criteria provided, multiple submitters, no conflicts (2 of 4 stars). 2 submissions from 2 submitters: Likely benign (2). Last evaluated 2026-01-01.

Conditions:
Early-infantile DEE. Also called: Ohtahara syndrome; Early infantile epileptic encephalopathy; Early infantile epileptic encephalopathy with suppression bursts. Identifiers: Orphanet 1934, MedGen C0393706, MONDO:0800491.

Allele frequency attached by ClinVar (database versions not stated): TOPMed below 0.00001; ExAC 0.00001.
gnomAD v4.1: 1 of 1,614,166 alleles (0.000062%); no homozygotes.

Submissions (2):

CeGaT Center for Human Genetics Tuebingen
Classification: Likely benign. Last evaluated: 2026-01-01. Review status: criteria provided, single submitter. Criteria: CeGaT Center For Human Genetics Tuebingen Variant Classification Criteria Version 2. Collection method: clinical testing. Allele origin: germline. Affected: yes. Observed: 1 variant allele.
Comment: SPTAN1: BP4, BP7

Labcorp Genetics (formerly Invitae), Labcorp
Classification: Likely benign for Early-infantile DEE. Last evaluated: 2025-11-24. Review status: criteria provided, single submitter. Criteria: Invitae Variant Classification Sherloc (09022015). Collection method: clinical testing. Allele origin: germline.

NM_001130438.3(SPTAN1):c.588A>C (p.Thr196=)

Gene: SPTAN1 (spectrin alpha, non-erythrocytic 1; plus strand). Cytogenetic location: 9q34.11.
Variant type: single nucleotide variant.
Coding change: c.588A>C on transcript NM_001130438.3 (MANE Select); coding-DNA position 588, A replaced by C.
Protein change: p.Thr196=; no amino-acid change (threonine 196 retained).
Molecular consequence: synonymous variant.
Genome position (GRCh38, 1-based): chr9:128,575,282, A>C. VCF-style: chr9-128575282-A-C. GRCh37 (hg19) VCF-style: chr9-131337561-A-C.
Other names: c.588A>C, p.Thr196= (NM_001195532.2, NM_001363759.2, NM_001363765.2 and 5 more transcripts); c.624A>C, p.Thr208= (NM_001375312.2, NM_001375318.1).
Identifiers: ClinVar variation 1159224 (VCV001159224.14), dbSNP rs776782747, ClinGen allele CA5264207.